The following is an entry in ClinVar:

ClinVar aggregate classification (germline): Uncertain significance (1 of 4 stars; one submission).

Conditions:
Hereditary cancer-predisposing syndrome. Also called: Tumor predisposition; Neoplastic Syndromes, Hereditary; Hereditary Cancer Syndrome; Hereditary neoplastic syndrome. Identifiers: Orphanet 140162, MedGen C0027672, MeSH D009386, MONDO:0015356.

Submission:

Ambry Genetics
Classification: Uncertain significance for Hereditary cancer-predisposing syndrome. Last evaluated: 2024-07-16. Review status: criteria provided, single submitter. Criteria: Ambry Variant Classification Scheme 2023. Collection method: clinical testing. Allele origin: germline.
Comment: The p.L539M variant (also known as c.1615T>A), located in coding exon 9 of the DICER1 gene, results from a T to A substitution at nucleotide position 1615. The leucine at codon 539 is replaced by methionine, an amino acid with highly similar properties. This amino acid position is conserved. In addition, this alteration is predicted to be tolerated by in silico analysis. Based on the available evidence, the clinical significance of this variant remains unclear.

NM_177438.3(DICER1):c.1615T>A (p.Leu539Met)

Gene: DICER1 (dicer 1, ribonuclease III; minus strand). Cytogenetic location: 14q32.13.
Variant type: single nucleotide variant.
Coding change: c.1615T>A on transcript NM_177438.3 (MANE Select); coding-DNA position 1615, T replaced by A.
Protein change: p.Leu539Met; replaces leucine 539 with methionine.
Molecular consequence: missense variant. On other transcripts: non-coding transcript variant (6), intron variant (1).
Genome position (GRCh38, 1-based): chr14:95,116,590, A>T on the plus strand (T>A on the coding strand, the complement: DICER1 is on the minus strand). VCF-style: chr14-95116590-A-T. GRCh37 (hg19) VCF-style: chr14-95582927-A-T.
Other names: c.1615T>A, p.Leu539Met (NM_001195573.1, NM_001271282.3, NM_001291628.2 and 12 more transcripts); c.1333T>A, p.Leu445Met (NM_001395686.1); c.1210T>A, p.Leu404Met (NM_001395687.1, NM_001395688.1, NM_001395689.1 and 3 more transcripts); c.1048T>A, p.Leu350Met (NM_001395691.1); c.-59-10T>A (NM_001395697.1); short protein forms L404M, L539M, L350M, L445M.
Identifiers: ClinVar variation 3501856 (VCV003501856.1).